The following is an entry in ClinVar:

ClinVar aggregate classification (germline): Pathogenic. Review status: criteria provided, multiple submitters, no conflicts (2 of 4 stars). 6 submissions from 6 submitters: Pathogenic (5). 1 of the submissions does not count toward it. Last evaluated 2025-09-01.
ClinVar aggregate classification (oncogenicity): Oncogenic/Likely oncogenic. Review status: criteria provided, multiple submitters, no conflicts (2 of 4 stars). 2 submissions from 2 submitters. Last evaluated 2026-10-16.

Conditions:
Neurofibromatosis, type 2 (SWNV). Also called: BILATERAL ACOUSTIC NEUROFIBROMATOSIS; NF2-Related Schwannomatosis; SCHWANNOMATOSIS, VESTIBULAR. Identifiers: Orphanet 637, MedGen C0027832, MONDO:0007039, OMIM 101000. Disease mechanism: loss of function.
Neoplasm. Also called: tumor; Neoplasms; Neoplasm (disease). Identifiers: MedGen C0027651, MeSH D009369, MONDO:0005070, HP:0002664.
Meningioma. Also called: Meningioma, somatic. Identifiers: Orphanet 2495, MedGen C0025286, MONDO:0016642, HP:0002858.

Submissions (8):

Center for Genomic Medicine, Rigshospitalet, Copenhagen University Hospital
Classification: Likely oncogenic for Neoplasm. Last evaluated: 2026-10-16. Review status: criteria provided, single submitter. Criteria: ClinGen/CGC/VICC Guidelines for Oncogenicity, 2022. Collection method: clinical testing. Allele origin: somatic. Affected: yes.

CeGaT Center for Human Genetics Tuebingen
Classification: Pathogenic. Last evaluated: 2025-09-01. Review status: criteria provided, single submitter. Criteria: CeGaT Center For Human Genetics Tuebingen Variant Classification Criteria Version 2. Collection method: clinical testing. Allele origin: germline. Affected: yes. Observed: 1 variant allele.
Comment: NF2: PVS1, PM2, PS4:Moderate

Dr. Guy Rouleau's laboratory, McGill University
Classification: Oncogenic for Meningioma. Last evaluated: 2025-03-30. Review status: criteria provided, single submitter. Criteria: ClinGen/CGC/VICC Guidelines for Oncogenicity, 2022. Collection method: research. Allele origin: somatic. Affected: yes.
Comment: This nonsense variant creates a premature translational stop signal (p.Arg262Ter) in the NF2 gene, which is expected to result in an absent or disrupted protein product. Loss-of-function variants in NF2 are well-documented as pathogenic (PMIDs: 8755919, 9643284, 16983642). This somatic variant was identified in a paired tumor-blood sequencing study of meningiomas. It has been observed in both sporadic and familial cases of neurofibromatosis type 2, NF2-related schwannomatosis and meningiomas (PMIDs: 7717450, 7913580, 8379998, 8655144, 8755919, 8882871, 9391890, 9643284, 12566519, 15684865, 18033041, 21294614, 28737257, 33067351, 37087513). This variant has not been reported in population databases (gnomAD v2.1.1: no frequency).

Labcorp Genetics (formerly Invitae), Labcorp
Classification: Pathogenic for Neurofibromatosis, type 2. Last evaluated: 2024-09-06. Review status: criteria provided, single submitter. Criteria: Invitae Variant Classification Sherloc (09022015). Collection method: clinical testing. Allele origin: germline.
Comment: This sequence change creates a premature translational stop signal (p.Arg262*) in the NF2 gene. It is expected to result in an absent or disrupted protein product. Loss-of-function variants in NF2 are known to be pathogenic (PMID: 9643284, 16983642). This variant is not present in population databases (gnomAD no frequency). This premature translational stop signal has been observed in individuals with neurofibromatosis type 2 (PMID: 7913580, 8379998, 9391890, 12566519, 18033041, 27704245, 28737257). Invitae Evidence Modeling of clinical and family history, age, sex, and reported ancestry of multiple individuals with this NF2 variant has been performed. This variant is expected to be pathogenic with a positive predictive value of at least 99%. This is a validated machine learning model that incorporates the clinical features of 10,624 individuals referred to our laboratory for NF2 testing. ClinVar contains an entry for this variant (Variation ID: 3290). For these reasons, this variant has been classified as Pathogenic.

GeneDx
Classification: Pathogenic. Last evaluated: 2023-05-16. Review status: criteria provided, single submitter. Criteria: GeneDx Variant Classification Process June 2021. Collection method: clinical testing. Allele origin: germline. Affected: yes.
Comment: Nonsense variant predicted to result in protein truncation or nonsense mediated decay in a gene for which loss-of-function is a known mechanism of disease; Not observed at significant frequency in large population cohorts (gnomAD); This variant is associated with the following publications: (PMID: 30325044, 8379998, 21175598, 29409008, 8889506, 18072270, 28737257, 31024808, 7913580, 10771486, 15684865, 18033041, 9643284, 7529050, 8882871, 11838794, 9817921, 27704245, 12566519, 9391890, 32724039, 33067351, 31273341)

MGZ Medical Genetics Center
Classification: Pathogenic for Neurofibromatosis, type 2. Last evaluated: 2022-06-10. Review status: criteria provided, single submitter. Criteria: ACMG Guidelines, 2015. Collection method: clinical testing. Allele origin: germline. Affected: yes. Observed: 1 variant allele.
Comment: ACMG criteria applied: PVS1, PS4_MOD, PM2_SUP

Institute of Human Genetics Munich, TUM University Hospital
Classification: Pathogenic for Neurofibromatosis, type 2. Last evaluated: 2020-11-09. Review status: criteria provided, single submitter. Criteria: Classification criteria August 2017. Collection method: clinical testing. Allele origin: somatic. Inheritance: Autosomal dominant inheritance. Affected: yes. Observed: 1 variant allele.

OMIM
Classification: Pathogenic for SHWANNOMATOSIS, VESTIBULAR. Last evaluated: 1994-08-01. Review status: no assertion criteria provided. Collection method: literature only. Allele origin: germline. Not counted in ClinVar's aggregate classification.

Literature cited by the submitters: PubMed 9643284 (cited by Labcorp Genetics (formerly Invitae), Labcorp); PubMed 16983642 (cited by Labcorp Genetics (formerly Invitae), Labcorp); PubMed 7913580 (cited by Labcorp Genetics (formerly Invitae), Labcorp and OMIM); PubMed 8379998 (cited by Labcorp Genetics (formerly Invitae), Labcorp); PubMed 9391890 (cited by Labcorp Genetics (formerly Invitae), Labcorp); PubMed 12566519 (cited by Labcorp Genetics (formerly Invitae), Labcorp); PubMed 18033041 (cited by Labcorp Genetics (formerly Invitae), Labcorp); PubMed 27704245 (cited by Labcorp Genetics (formerly Invitae), Labcorp); PubMed 28737257 (cited by Labcorp Genetics (formerly Invitae), Labcorp).

NM_000268.4(NF2):c.784C>T (p.Arg262Ter)

Gene: NF2 (NF2, moesin-ezrin-radixin like (MERLIN) tumor suppressor; plus strand). Cytogenetic location: 22q12.2.
Variant type: single nucleotide variant.
Coding change: c.784C>T on transcript NM_000268.4 (MANE Select); coding-DNA position 784, C replaced by T.
Protein change: p.Arg262Ter; replaces arginine 262 with a stop codon.
Molecular consequence: nonsense. On other transcripts: non-coding transcript variant (1), intron variant (1).
Genome position (GRCh38, 1-based): chr22:29,661,313, C>T. VCF-style: chr22-29661313-C-T. GRCh37 (hg19) VCF-style: chr22-30057302-C-T.
Other names: c.784C>T, p.Arg262Ter (NM_016418.5, NM_181825.3, NM_181832.3); c.658C>T, p.Arg220Ter (NM_181828.3); c.661C>T, p.Arg221Ter (NM_181829.3); c.535C>T, p.Arg179Ter (NM_181830.3, NM_181831.3); c.447+19028C>T (NM_181833.3); short protein forms R262*, R221*, R220*, R179*.
Identifiers: ClinVar variation 3290 (VCV000003290.22), dbSNP rs74315496, ClinGen allele CA021439.